The following is an entry in ClinVar:

ClinVar aggregate classification (germline): Uncertain significance (1 of 4 stars; one submission).

Allele frequency attached by ClinVar (database versions not stated): gnomAD exomes below 0.00001; TOPMed below 0.00001; ExAC 0.00002.
gnomAD v4.1: 2 of 1,603,846 alleles (0.00012%); highest among the groups gnomAD compares: Admixed American, 0.0034%; no homozygotes.

Submission:

Labcorp Genetics (formerly Invitae), Labcorp
Classification: Uncertain significance. Last evaluated: 2022-07-18. Review status: criteria provided, single submitter. Criteria: Invitae Variant Classification Sherloc (09022015). Collection method: clinical testing. Allele origin: germline.
Comment: Algorithms developed to predict the effect of missense changes on protein structure and function are either unavailable or do not agree on the potential impact of this missense change (SIFT: "Deleterious"; PolyPhen-2: "Possibly Damaging"; Align-GVGD: "Class C0"). This variant has not been reported in the literature in individuals affected with DOCK6-related conditions. This sequence change replaces valine, which is neutral and non-polar, with aspartic acid, which is acidic and polar, at codon 836 of the DOCK6 protein (p.Val836Asp). This variant is present in population databases (rs755511381, gnomAD 0.006%). In summary, the available evidence is currently insufficient to determine the role of this variant in disease. Therefore, it has been classified as a Variant of Uncertain Significance.

NM_020812.4(DOCK6):c.2507T>A (p.Val836Asp)

Gene: DOCK6 (dedicator of cytokinesis 6; minus strand). Cytogenetic location: 19p13.2.
Variant type: single nucleotide variant.
Coding change: c.2507T>A on transcript NM_020812.4 (MANE Select); coding-DNA position 2507, T replaced by A.
Protein change: p.Val836Asp; replaces valine 836 with aspartic acid.
Molecular consequence: missense variant.
Genome position (GRCh38, 1-based): chr19:11,235,645, A>T on the plus strand (T>A on the coding strand, the complement: DOCK6 is on the minus strand). VCF-style: chr19-11235645-A-T. GRCh37 (hg19) VCF-style: chr19-11346321-A-T.
Other names: c.2507T>A, p.Val836Asp (NM_001367830.1); short protein forms V836D.
Identifiers: ClinVar variation 2014116 (VCV002014116.4), dbSNP rs755511381, ClinGen allele CA9207606.